The following is an entry in ClinVar:

ClinVar aggregate classification (germline): Pathogenic/Likely pathogenic. Review status: criteria provided, multiple submitters, no conflicts (2 of 4 stars). 4 submissions from 4 submitters: Pathogenic (3); Likely pathogenic (1). Last evaluated 2024-08-19.

Conditions:
MSH6-related disorder. Also called: MSH6-related condition; MSH6-Related disorders.
Hereditary nonpolyposis colorectal neoplasms. Identifiers: MedGen C0009405, MeSH D003123.
Lynch syndrome 5 (LYNCH5). Also called: Hereditary non-polyposis colorectal cancer, type 5; Colorectal cancer, hereditary nonpolyposis, type 5. Identifiers: Orphanet 144, MedGen C1833477, MONDO:0013710, OMIM 614350. Disease mechanism: loss of function.
Hereditary cancer-predisposing syndrome. Also called: Hereditary Cancer Syndrome; Neoplastic Syndromes, Hereditary; Tumor predisposition; Hereditary neoplastic syndrome. Identifiers: Orphanet 140162, MedGen C0027672, MeSH D009386, MONDO:0015356.

Submissions (4):

Labcorp Genetics (formerly Invitae), Labcorp
Classification: Pathogenic for Hereditary nonpolyposis colorectal neoplasms. Last evaluated: 2024-08-19. Review status: criteria provided, single submitter. Criteria: Invitae Variant Classification Sherloc (09022015). Collection method: clinical testing. Allele origin: germline.
Comment: This sequence change creates a premature translational stop signal (p.Ala1320Glyfs*3) in the MSH6 gene. While this is not anticipated to result in nonsense mediated decay, it is expected to disrupt the last 41 amino acid(s) of the MSH6 protein. This variant is not present in population databases (gnomAD no frequency). This variant has not been reported in the literature in individuals affected with MSH6-related conditions. ClinVar contains an entry for this variant (Variation ID: 1072945). Algorithms developed to predict the effect of sequence changes on RNA splicing suggest that this variant may disrupt the consensus splice site. This variant disrupts a region of the MSH6 protein in which other variant(s) (p.Leu1330Valfs*12, p.Arg1331*) have been determined to be pathogenic (PMID: 16418736, 19851887, 24440087, 26318770). This suggests that this is a clinically significant region of the protein, and that variants that disrupt it are likely to be disease-causing. For these reasons, this variant has been classified as Pathogenic.

Blueprint Genetics
Classification: Likely pathogenic for MSH6-related disorders. Last evaluated: 2023-11-17. Review status: criteria provided, single submitter. Criteria: ACMG Guidelines, 2015. Collection method: clinical testing. Allele origin: germline. Affected: yes. Observed: 1 variant allele.

Ambry Genetics
Classification: Pathogenic for Hereditary cancer-predisposing syndrome. Last evaluated: 2023-11-06. Review status: criteria provided, single submitter. Criteria: Ambry Variant Classification Scheme 2023. Collection method: clinical testing. Allele origin: germline.
Comment: The c.3946_3958dupGGACATAGAAAAG pathogenic mutation (also known as p.A1320GFS*3), located in coding exon 9 of the MSH6 gene, results from a duplication of 13 nucleotides from position 3946 to 3958, causing a translational frameshift with a predicted alternate stop codon. This alteration occurs at the 3' terminus of the MSH6 gene, is not expected to trigger nonsense-mediated mRNA decay, and only impacts the last 3% of the protein. However, premature stop codons are typically deleterious in nature and the impacted region is critical for protein function (Ambry internal data). While this specific mutation has not been reported in the literature to date, other variants that cause an alternate stop codon at the same location as this variant have been reported. Based on the supporting evidence, this alteration is interpreted as a disease-causing mutation.

Myriad Genetics, Inc.
Classification: Pathogenic for Lynch syndrome 5. Last evaluated: 2023-08-28. Review status: criteria provided, single submitter. Criteria: Myriad Autosomal Dominant, Autosomal Recessive and X-Linked Classification Criteria (2023). Collection method: clinical testing. Allele origin: unknown.
Comment: This variant is considered pathogenic. This variant creates a frameshift predicted to result in premature protein truncation.

Literature cited by the submitters: PubMed 16418736 (cited by Labcorp Genetics (formerly Invitae), Labcorp); PubMed 19851887 (cited by Labcorp Genetics (formerly Invitae), Labcorp); PubMed 24440087 (cited by Labcorp Genetics (formerly Invitae), Labcorp); PubMed 26318770 (cited by Labcorp Genetics (formerly Invitae), Labcorp); PubMed 25081409 (cited by Ambry Genetics).

NM_000179.3(MSH6):c.3946_3958dup (p.Ala1320delinsGlyThrTer)

Gene: MSH6 (mutS homolog 6; plus strand). Cytogenetic location: 2p16.3.
Variant type: Duplication.
Coding change: c.3946_3958dup on transcript NM_000179.3 (MANE Select); coding-DNA positions 3946 to 3958, 13 bases duplicated (GGACATAGAAAAG).
Protein change: p.Ala1320delinsGlyThrTer.
Molecular consequence: nonsense.
Genome position (GRCh38, 1-based): chr2:47,806,596-47,806,608, GGACATAGAAAAG duplicated; duplicating any 13 consecutive bases within chr2:47,806,591-47,806,608 gives the same sequence; the c. name uses the placement nearest the transcript's 3' end. VCF-style (leftmost placement, unchanged base first): chr2-47806590-C-CAAAAGGGACATAG. GRCh37 (hg19) VCF-style: chr2-48033729-C-CAAAAGGGACATAG.
Other names: c.3556_3568dup, p.Ala1190delinsGlyThrTer (NM_001281492.2); c.3040_3052dup, p.Ala1018delinsGlyThrTer (NM_001281493.2, NM_001281494.2).
Identifiers: ClinVar variation 1072945 (VCV001072945.11), dbSNP rs1553333674, ClinGen allele CA2499216145.
Genomic context (GRCh38, chr2:47,806,590, plus strand): 5'-TGTCCTAAAAGCTATGGCTTTAATGCAGCAAGGCTTGCTAATCTCCCAGAGGAAGTTATT[C>CAAAAGGGACATAG]AAAAGGGACATAGAAAAGCAAGAGAATTTGAGAAGATGAATCAGTCACTACGATTATTTC-3'